The following is an entry in ClinVar:

NM_001042492.3(NF1):c.3866_3867insACCC (p.Phe1289fs)

Gene: NF1 (neurofibromin 1; plus strand). Cytogenetic location: 17q11.2.
Variant type: Insertion.
Coding change: c.3866_3867insACCC on transcript NM_001042492.3 (MANE Select); coding-DNA positions 3866 to 3867, ACCC inserted.
Protein change: p.Phe1289fs; shifts the reading frame from phenylalanine 1289.
Molecular consequence: frameshift variant.
Genome position: GRCh38 VCF-style: chr17-31235768-T-TACCC. GRCh37 (hg19) VCF-style: chr17-29562786-T-TACCC.
Other names: c.3866_3867insACCC, p.Phe1289Leufs (NM_000267.4); short protein forms F1289fs.
Identifiers: ClinVar variation 1735638 (VCV001735638.2), dbSNP rs2508260743, ClinGen allele CA2580093102.

ClinVar aggregate classification (germline): Pathogenic (1 of 4 stars; one submission).

Conditions:
Hereditary cancer-predisposing syndrome. Also called: Neoplastic Syndromes, Hereditary; Tumor predisposition; Hereditary Cancer Syndrome; Hereditary neoplastic syndrome. Identifiers: Orphanet 140162, MedGen C0027672, MeSH D009386, MONDO:0015356.
Cardiovascular phenotype. Identifiers: MedGen CN230736.

Submission:

Ambry Genetics
Classification: Pathogenic for Cardiovascular phenotype; Hereditary cancer-predisposing syndrome. Last evaluated: 2021-12-08. Review status: criteria provided, single submitter. Criteria: Ambry Variant Classification Scheme 2023. Collection method: clinical testing. Allele origin: germline.
Comment: The c.3866_3867insACCC pathogenic mutation, located in coding exon 28 of the NF1 gene, results from an insertion of 4 nucleotides at position 3866, causing a translational frameshift with a predicted alternate stop codon (p.F1289Lfs*26). This alteration has been observed in at least one individual with a personal and/or family history that is consistent with NF1-related disease (Ambry internal data). This variant is considered to be rare based on population cohorts in the Genome Aggregation Database (gnomAD). This alteration is expected to result in loss of function by premature protein truncation or nonsense-mediated mRNA decay. As such, this alteration is interpreted as a disease-causing mutation.